The following is an entry in ClinVar:

ClinVar aggregate classification (germline): Uncertain significance (1 of 4 stars; one submission).

Conditions:
Brugada syndrome 5 (BRGDA5). Identifiers: Orphanet 130, Orphanet 871, MedGen C2748541, MONDO:0013015, OMIM 612838.

Submission:

Labcorp Genetics (formerly Invitae), Labcorp
Classification: Uncertain significance for Brugada syndrome 5. Last evaluated: 2025-02-12. Review status: criteria provided, single submitter. Criteria: Invitae Variant Classification Sherloc (09022015). Collection method: clinical testing. Allele origin: germline.
Comment: The SCN1B gene has multiple clinically relevant transcripts. This variant occurs in alternate transcript NM_001037.5, and corresponds to NM_199037.3:c.*5029C>T in the primary transcript. This sequence change affects codon 153 of the SCN1B mRNA. It is a 'silent' change, meaning that it does not change the encoded amino acid sequence of the SCN1B protein. This variant is not present in population databases (gnomAD no frequency). This variant has not been reported in the literature in individuals affected with SCN1B-related conditions. Experimental studies and prediction algorithms are not available or were not evaluated, and the effect of this variant on mRNA splicing is currently unknown. In summary, the available evidence is currently insufficient to determine the role of this variant in disease. Therefore, it has been classified as a Variant of Uncertain Significance.

NM_001037.5(SCN1B):c.459C>T (p.Asp153=)

Gene: SCN1B (sodium voltage-gated channel beta subunit 1; plus strand). Cytogenetic location: 19q13.11.
Variant type: single nucleotide variant.
Coding change: c.459C>T on transcript NM_001037.5 (MANE Select); coding-DNA position 459, C replaced by T.
Protein change: p.Asp153=; no amino-acid change (aspartic acid 153 retained).
Molecular consequence: synonymous variant.
Genome position (GRCh38, 1-based): chr19:35,039,127, C>T. VCF-style: chr19-35039127-C-T. GRCh37 (hg19) VCF-style: chr19-35530031-C-T.
Other names: c.360C>T, p.Asp120= (NM_001321605.2).
Identifiers: ClinVar variation 4712870 (VCV004712870.1).